The following is an entry in ClinVar:

ClinVar aggregate classification (germline): Benign (3 of 4 stars; one submission).

Conditions:
Breast-ovarian cancer, familial, susceptibility to, 1 (BROVCA1). Also called: BRCA1 Hereditary Breast and Ovarian Cancer; OVARIAN CANCER, SUSCEPTIBILITY TO. Identifiers: Orphanet 145, MedGen C2676676, MONDO:0011450, OMIM 604370. Disease mechanism: loss of function.

Allele frequency attached by ClinVar (database versions not stated): gnomAD 0.28726 and 0.29512.
gnomAD v4.1: 39,728 of 134,514 alleles (30%); highest among the groups gnomAD compares: South Asian, 48%; 5,825 homozygotes.

Submission:

Evidence-based Network for the Interpretation of Germline Mutant Alleles (ENIGMA)
Classification: Benign for Breast-ovarian cancer, familial 1. Last evaluated: 2015-01-12. Review status: reviewed by expert panel. Criteria: ENIGMA BRCA1/2 Classification Criteria (2015). Collection method: curation. Allele origin: germline.
Comment: Class 1 not pathogenic based on frequency >1% in an outbred sampleset. Frequency 0.2832 (Asian), 0.185 (African), 0.3127 (European), derived from 1000 genomes (2012-04-30).

NM_007294.4(BRCA1):c.5406+601A>G

Gene: BRCA1 (BRCA1 DNA repair associated; minus strand). Cytogenetic location: 17q21.31.
Variant type: single nucleotide variant.
Coding change: c.5406+601A>G on transcript NM_007294.4 (MANE Select); 601 bases into the intron after coding-DNA position 5406, A replaced by G.
Molecular consequence: intron variant.
Genome position (GRCh38, 1-based): chr17:43,048,520, T>C on the plus strand (A>G on the coding strand, the complement: BRCA1 is on the minus strand). VCF-style: chr17-43048520-T-C. GRCh37 (hg19) VCF-style: chr17-41200537-T-C.
Other names: IVS 22+601A>G; c.1953+601A>G (NM_001408458.1, NM_001408461.1, NM_001408464.1 and 7 more transcripts); c.4515+601A>G (NM_001407967.1); c.5025+601A>G (NM_001407959.1); c.5139+601A>G (NM_001407931.1, NM_001407932.1, NM_001407928.1 and 4 more transcripts); c.5262+601A>G (NM_001407747.1, NM_001407745.1, NM_001407737.1 and 18 more transcripts); c.5022+601A>G (NM_001407962.1, NM_001407960.1); c.1593+601A>G (NM_001408512.1); and 85 more.
Identifiers: ClinVar variation 209247 (VCV000209247.2), dbSNP rs4792972, ClinGen allele CA276219.
Genomic context (GRCh38, chr17:43,048,520, plus strand): 5'-CTCCCAAAGTGCTGGGATTACAGGCGTGAGCCACCGCACCTAGCTTTTCTCTCTCTCTCT[T>C]TTTTTTTTTTTTTAGACAAAGTCTCACTCTGTCACCCAGTCTGGAGTGCAGTGGTGCAAT-3'